The following is an entry in ClinVar:

ClinVar aggregate classification (germline): Likely pathogenic (1 of 4 stars; one submission).

Conditions:
Autosomal recessive nonsyndromic hearing loss 84A. Also called: DEAFNESS, AUTOSOMAL RECESSIVE 84A; DEAFNESS, AUTOSOMAL RECESSIVE 84A, WITH VESTIBULAR DYSFUNCTION. Identifiers: Orphanet 90636, MedGen C3150654, MONDO:0013249, OMIM 613391.

Submission:

Juno Genomics, Hangzhou Juno Genomics, Inc
Classification: Likely pathogenic for Autosomal recessive nonsyndromic hearing loss 84A. Review status: criteria provided, single submitter. Criteria: ACMG Guidelines, 2015. Collection method: clinical testing. Allele origin: germline.
Comment: Null variant in a gene where loss of function (LOF) is a known mechanism of disease.;Absent from controls (or at extremely low frequency if recessive) in Genome Aggregation Database.

NM_001145026.2(PTPRQ):c.717_718del (p.Arg239fs)

Gene: PTPRQ (protein tyrosine phosphatase receptor type Q; plus strand). Cytogenetic location: 12q21.31.
Variant type: Microsatellite.
Coding change: c.717_718del on transcript NM_001145026.2 (MANE Select); coding-DNA positions 717 to 718, 2 bases deleted (AG; older notation c.717_718delAG).
Protein change: p.Arg239fs; shifts the reading frame from arginine 239.
Molecular consequence: frameshift variant.
Genome position (GRCh38, 1-based): chr12:80,460,709-80,460,710, AG deleted; deleting any 2 consecutive bases within chr12:80,460,707-80,460,710 gives the same sequence; the c. name uses the placement nearest the transcript's 3' end. VCF-style (leftmost placement, unchanged base first): chr12-80460706-TAG-T. GRCh37 (hg19) VCF-style: chr12-80849466-ACT-A.
Other names: short protein forms R239fs.
Identifiers: ClinVar variation 5005178 (VCV005005178.2).